The following is an entry in ClinVar:

ClinVar aggregate classification (germline): Pathogenic (1 of 4 stars; one submission).

Submission:

Labcorp Genetics (formerly Invitae), Labcorp
Classification: Pathogenic. Last evaluated: 2025-12-16. Review status: criteria provided, single submitter. Criteria: Invitae Variant Classification Sherloc (09022015). Collection method: clinical testing. Allele origin: germline.
Comment: This sequence change creates a premature translational stop signal (p.Gln522Alafs*27) in the COL7A1 gene. It is expected to result in an absent or disrupted protein product. Loss-of-function variants in COL7A1 are known to be pathogenic (PMID: 16971478). This variant is not present in population databases (gnomAD no frequency). This variant has not been reported in the literature in individuals affected with COL7A1-related conditions. Algorithms developed to predict the effect of sequence changes on RNA splicing suggest that this variant may disrupt the consensus splice site. For these reasons, this variant has been classified as Pathogenic.

Literature cited by the submitters: PubMed 16971478.

NM_000094.4(COL7A1):c.1563dup (p.Gln522fs)

Gene: COL7A1 (collagen type VII alpha 1 chain; minus strand). Cytogenetic location: 3p21.31.
Variant type: Duplication.
Coding change: c.1563dup on transcript NM_000094.4 (MANE Select); coding-DNA position 1563, one base duplicated (G; older notation c.1563dupG).
Protein change: p.Gln522fs; shifts the reading frame from glutamine 522.
Molecular consequence: frameshift variant.
Genome position (GRCh38, 1-based): chr3:48,591,537, C duplicated on the plus strand (G on the coding strand, the reverse complement: COL7A1 is on the minus strand); the first of 3 consecutive C bases (chr3:48,591,537-48,591,539); duplicating any one gives the same sequence. VCF-style (leftmost placement, unchanged base first): chr3-48591536-G-GC. GRCh37 (hg19) VCF-style: chr3-48628969-G-GC.
Other names: short protein forms Q522fs.
Identifiers: ClinVar variation 4733389 (VCV004733389.1).